The following is an entry in ClinVar:

ClinVar aggregate classification (germline): Benign. Review status: criteria provided, multiple submitters, no conflicts (2 of 4 stars). 2 submissions from 2 submitters: Benign (2). Last evaluated 2018-06-12.

Allele frequency attached by ClinVar (database versions not stated): 1000 Genomes Project 30x 0.41833; 1000 Genomes Project 0.41873; TOPMed 0.39515.

Submissions (4):

GeneDx
Classification: Benign. Last evaluated: 2018-06-12. Review status: criteria provided, single submitter. Criteria: GeneDx Variant Classification (06012015). Collection method: clinical testing. Allele origin: germline. Affected: yes.
Comment: This variant is considered likely benign or benign based on one or more of the following criteria: it is a conservative change, it occurs at a poorly conserved position in the protein, it is predicted to be benign by multiple in silico algorithms, and/or has population frequency not consistent with disease.

Breakthrough Genomics
Classification: Benign. Review status: criteria provided, single submitter. Criteria: ACMG Guidelines, 2015. Collection method: not provided. Allele origin: germline. Inheritance: Autosomal dominant inheritance. Affected: yes.

Dr. Peter K. Rogan Lab, Western University
No classification provided (evidence only). Condition: Hepatocellular carcinoma. Review status: no classification provided. Collection method: in vitro. Allele origin: not applicable. Functional consequence: retained intron. Not counted in ClinVar's aggregate classification.

Dr. Peter K. Rogan Lab, Western University
No classification provided (evidence only). Condition: Uterine carcinosarcoma. Review status: no classification provided. Collection method: in vitro. Allele origin: not applicable. Functional consequence: retained intron. Not counted in ClinVar's aggregate classification.

NM_015450.3(POT1):c.1369+158A>G

Gene: POT1 (protection of telomeres 1; minus strand). Cytogenetic location: 7q31.33.
Variant type: single nucleotide variant.
Coding change: c.1369+158A>G on transcript NM_015450.3 (MANE Select); 158 bases into the intron after coding-DNA position 1369, A replaced by G.
Molecular consequence: intron variant.
Genome position (GRCh38, 1-based): chr7:124,840,815, T>C on the plus strand (A>G on the coding strand, the complement: POT1 is on the minus strand). VCF-style: chr7-124840815-T-C. GRCh37 (hg19) VCF-style: chr7-124480869-T-C.
Other names: NC_000007.13:g.124480869T>C; c.976+158A>G (NM_001042594.2).
Identifiers: ClinVar variation 677015 (VCV000677015.3), dbSNP rs3213667, ClinGen allele CA12638393.
Genomic context (GRCh38, chr7:124,840,815, plus strand): 5'-AGTCTGAAGTACAATTTCAAATGTAATTAAGATAAATTTATGAACGTGTGCTTATATATA[T>C]TTGAACCTAGTTAACATATATATTCAATTTTGTTAAATTTAAATACTATTTTTACTTTAT-3'